The following is an entry in ClinVar:

NM_032603.5(LOXL3):c.57G>A (p.Leu19=)

Genes: LOXL3 (lysyl oxidase like 3; minus strand), DOK1 (docking protein 1; plus strand). Cytogenetic location: 2p13.1.
Variant type: single nucleotide variant.
Coding change: c.57G>A on transcript NM_032603.5 (MANE Select); coding-DNA position 57, G replaced by A.
Protein change: p.Leu19=; no amino-acid change (leucine 19 retained).
Molecular consequence: synonymous variant. On other transcripts: intron variant (1).
Genome position (GRCh38, 1-based): chr2:74,552,578, C>T on the plus strand (G>A on the coding strand, the complement: LOXL3 is on the minus strand). VCF-style: chr2-74552578-C-T. GRCh37 (hg19) VCF-style: chr2-74779705-C-T.
Other names: c.57G>A, p.Leu19= (NM_001289164.3); c.-357-2576C>T (NM_001197260.2).
Identifiers: ClinVar variation 1555343 (VCV001555343.9), dbSNP rs370650948, ClinGen allele CA1729274.

ClinVar aggregate classification (germline): Likely benign. Review status: criteria provided, multiple submitters, no conflicts (2 of 4 stars). 2 submissions from 2 submitters: Likely benign (2). Last evaluated 2025-11-06.

Conditions:
LOXL3-related disorder. Also called: LOXL3-related condition.

Allele frequency attached by ClinVar (database versions not stated): TOPMed 0.00007; ExAC 0.00008; ESP Exome Variant Server 0.00008; gnomAD exomes 0.00006; gnomAD 0.00008 and 0.00009.
gnomAD v4.1: 103 of 1,601,968 alleles (0.0064%); highest among the groups gnomAD compares: Non-Finnish European, 0.0063%; no homozygotes.

Submissions (2):

Labcorp Genetics (formerly Invitae), Labcorp
Classification: Likely benign. Last evaluated: 2025-11-06. Review status: criteria provided, single submitter. Criteria: Invitae Variant Classification Sherloc (09022015). Collection method: clinical testing. Allele origin: germline.

PreventionGenetics, part of Exact Sciences
Classification: Likely benign for LOXL3-related condition. Last evaluated: 2024-10-18. Review status: criteria provided, single submitter. Criteria: ACMG Guidelines, 2015. Collection method: clinical testing. Allele origin: germline.
Comment: This variant is classified as likely benign based on ACMG/AMP sequence variant interpretation guidelines (Richards et al. 2015 PMID: 25741868, with internal and published modifications).